The following is an entry in ClinVar:

NM_000030.3(AGXT):c.682_683delAA (p.Lys228fs)

Gene: AGXT (alanine--glyoxylate aminotransferase; plus strand). Cytogenetic location: 2q37.3.
Variant type: Deletion.
Coding change: c.682_683delAA on transcript NM_000030.3 (MANE Select); coding-DNA positions 682 to 683, 2 bases deleted (AA).
Protein change: p.Lys228fs; shifts the reading frame from lysine 228.
Molecular consequence: frameshift variant.
Genome position (GRCh38, 1-based): chr2:240,875,110-240,875,111, AA deleted; deleting any 2 consecutive bases within chr2:240,875,109-240,875,111 gives the same sequence; the c. name uses the placement nearest the transcript's 3' end. VCF-style (leftmost placement, unchanged base first): chr2-240875108-GAA-G. GRCh37 (hg19) VCF-style: chr2-241814525-GAA-G.
Other names: c.679_680del; short protein forms K228fs.
Identifiers: ClinVar variation 2681186 (VCV002681186.1), dbSNP rs2528755914, ClinGen allele CA2695197715.

ClinVar aggregate classification (germline): Pathogenic (1 of 4 stars; one submission).

Conditions:
Primary hyperoxaluria, type I (HP1). Also called: OXALOSIS I; Primary hyperoxaluria type 1; GLYCOLIC ACIDURIA; HEPATIC AGT DEFICIENCY. Identifiers: Orphanet 416, Orphanet 93598, MedGen C0268164, MONDO:0009823, OMIM 259900. Disease mechanism: loss of function.

Submission:

Clinical Biochemistry Laboratory, Health Services Laboratory
Classification: Pathogenic for Primary hyperoxaluria, type I. Last evaluated: 2023-10-27. Review status: criteria provided, single submitter. Criteria: ACMG Guidelines, 2015. Collection method: curation. Allele origin: germline. Affected: yes.
Comment: ACMG:PVS1 PM2 PM3

Literature cited by the submitters: PubMed 33721035.